The following is an entry in ClinVar:

NM_002184.4(IL6ST):c.1834_1835dup (p.Phe613fs)

Gene: IL6ST (interleukin 6 cytokine family signal transducer; minus strand). Cytogenetic location: 5q11.2.
Variant type: Duplication.
Coding change: c.1834_1835dup on transcript NM_002184.4 (MANE Select); coding-DNA positions 1834 to 1835, 2 bases duplicated (AA; older notation c.1834_1835dupAA).
Protein change: p.Phe613fs; shifts the reading frame from phenylalanine 613.
Molecular consequence: frameshift variant. On other transcripts: 3 prime UTR variant (1), non-coding transcript variant (2).
Genome position (GRCh38, 1-based): chr5:55,951,469-55,951,470, TT duplicated on the plus strand (AA on the coding strand, the reverse complement: IL6ST is on the minus strand); duplicating any 2 consecutive bases within chr5:55,951,469-55,951,471 gives the same sequence; the c. name uses the placement nearest the transcript's 3' end. VCF-style (leftmost placement, unchanged base first): chr5-55951468-C-CTT. GRCh37 (hg19) VCF-style: chr5-55247296-C-CTT.
Other names: c.1651_1652dup, p.Phe552fs (NM_001190981.2); c.1732_1733dup, p.Phe579fs (NM_001364275.2); c.1624_1625dup, p.Phe543fs (NM_001364276.2); c.967_968dup, p.Phe324fs (NM_001364277.2); c.931_932dup, p.Phe312fs (NM_001364278.2); c.838_839dup, p.Phe281fs (NM_001364279.2); c.*761_*762dup (NM_175767.3); short protein forms F281fs, F324fs, F579fs, F312fs, F613fs, F543fs, F552fs.
Identifiers: ClinVar variation 2131727 (VCV002131727.4), dbSNP rs2533477589, ClinGen allele CA2580073326.

ClinVar aggregate classification (germline): Pathogenic (1 of 4 stars; one submission).

Submission:

Labcorp Genetics (formerly Invitae), Labcorp
Classification: Pathogenic. Last evaluated: 2022-04-29. Review status: criteria provided, single submitter. Criteria: Invitae Variant Classification Sherloc (09022015). Collection method: clinical testing. Allele origin: germline.
Comment: For these reasons, this variant has been classified as Pathogenic. This variant has not been reported in the literature in individuals affected with IL6ST-related conditions. This variant is not present in population databases (gnomAD no frequency). This sequence change creates a premature translational stop signal (p.Phe613Serfs*10) in the IL6ST gene. It is expected to result in an absent or disrupted protein product. Loss-of-function variants in IL6ST are known to be pathogenic (PMID: 31914175).

Literature cited by the submitters: PubMed 31914175.